The following is an entry in ClinVar:

ClinVar aggregate classification (germline): Likely pathogenic (1 of 4 stars; one submission).

Conditions:
CNOT1-related disorder. Also called: CNOT1-related condition.

Submission:

PreventionGenetics, part of Exact Sciences
Classification: Likely pathogenic for CNOT1-related condition. Last evaluated: 2023-09-27. Review status: criteria provided, single submitter. Criteria: ACMG Guidelines, 2015. Collection method: clinical testing. Allele origin: germline.
Comment: The CNOT1 c.2751dupT variant is predicted to result in a frameshift and premature protein termination (p.Gly918Trpfs*5). To our knowledge, this variant has not been reported in the literature or in a large population database, indicating this variant is rare. Frameshift variants in CNOT1 are expected to be pathogenic. This variant is interpreted as likely pathogenic.

NM_016284.5(CNOT1):c.2751dup (p.Gly918fs)

Gene: CNOT1 (CCR4-NOT transcription complex subunit 1; minus strand). Cytogenetic location: 16q21.
Variant type: Duplication.
Coding change: c.2751dup on transcript NM_016284.5 (MANE Select); coding-DNA position 2751, one base duplicated (T; older notation c.2751dupT).
Protein change: p.Gly918fs; shifts the reading frame from glycine 918.
Molecular consequence: frameshift variant. On other transcripts: non-coding transcript variant (1).
Genome position (GRCh38, 1-based): chr16:58,555,391, A duplicated on the plus strand (T on the coding strand, the reverse complement: CNOT1 is on the minus strand); the first of 3 consecutive A bases (chr16:58,555,391-58,555,393); duplicating any one gives the same sequence. VCF-style (leftmost placement, unchanged base first): chr16-58555390-C-CA. GRCh37 (hg19) VCF-style: chr16-58589294-C-CA.
Other names: c.2736dup, p.Gly913fs (NM_001265612.2); c.2751dup, p.Gly918fs (NM_206999.3); short protein forms G913fs, G918fs.
Identifiers: ClinVar variation 2636715 (VCV002636715.1), dbSNP rs2543955657, ClinGen allele CA2695197657.
Genomic context (GRCh38, chr16:58,555,390, plus strand): 5'-CATATCGTAGAGCCAGACCTAGTGCCATGTAAGTGACCAGTCCTTTCTCAATTATACCAC[C>CA]AAATAGGCAGGCTGTTATATGTAACTCTTTATCAGGATACTGGGGAAAAAAACGATATTC-3'